The following is an entry in ClinVar:

NM_001318895.3(FHL2):c.285C>G (p.Asn95Lys)

Genes: C2orf49 (chromosome 2 open reading frame 49; plus strand), FHL2 (four and a half LIM domains 2; minus strand). Cytogenetic location: 2q12.2.
Variant type: single nucleotide variant.
Coding change: c.285C>G on transcript NM_001318895.3 (MANE Select); coding-DNA position 285, C replaced by G.
Protein change: p.Asn95Lys; replaces asparagine 95 with lysine.
Molecular consequence: missense variant. On other transcripts: 5 prime UTR variant (1), intron variant (2).
Genome position (GRCh38, 1-based): chr2:105,373,605, G>C on the plus strand (C>G on the coding strand, the complement: FHL2 is on the minus strand). VCF-style: chr2-105373605-G-C. GRCh37 (hg19) VCF-style: chr2-105990062-G-C.
Other names: c.285C>G, p.Asn95Lys (NM_001039492.3, NM_001318894.1, NM_001318896.2 and 4 more transcripts); c.-40C>G (NM_001318899.2); c.-11-5866C>G (NM_001318897.2, NM_001318898.2); short protein forms N95K.
Identifiers: ClinVar variation 1410668 (VCV001410668.8), dbSNP rs374383740, ClinGen allele CA1814789.

ClinVar aggregate classification (germline): Uncertain significance (1 of 4 stars; one submission).

Conditions:
Primary dilated cardiomyopathy (DCM). Also called: Dilated Cardiomyopathy. Identifiers: Orphanet 217604, MedGen C0007193, MeSH D002311, MONDO:0005021, HP:0001644. Inheritance: Various modes of inheritance.

Allele frequency attached by ClinVar (database versions not stated): ExAC 0.00003; ESP Exome Variant Server 0.00008.
gnomAD v4.1: 105 of 1,614,118 alleles (0.0065%); highest among the groups gnomAD compares: Non-Finnish European, 0.0085%; no homozygotes.

Submission:

Labcorp Genetics (formerly Invitae), Labcorp
Classification: Uncertain significance for Primary dilated cardiomyopathy. Last evaluated: 2025-07-14. Review status: criteria provided, single submitter. Criteria: Invitae Variant Classification Sherloc (09022015). Collection method: clinical testing. Allele origin: germline.
Comment: This sequence change replaces asparagine, which is neutral and polar, with lysine, which is basic and polar, at codon 95 of the FHL2 protein (p.Asn95Lys). This variant is present in population databases (rs374383740, gnomAD 0.003%). This variant has not been reported in the literature in individuals affected with FHL2-related conditions. ClinVar contains an entry for this variant (Variation ID: 1410668). Invitae Evidence Modeling of protein sequence and biophysical properties (such as structural, functional, and spatial information, amino acid conservation, physicochemical variation, residue mobility, and thermodynamic stability) indicates that this missense variant is not expected to disrupt FHL2 protein function with a negative predictive value of 80%. In summary, the available evidence is currently insufficient to determine the role of this variant in disease. Therefore, it has been classified as a Variant of Uncertain Significance.